The following is an entry in ClinVar:

NM_000081.4(LYST):c.3128T>C (p.Ile1043Thr)

Gene: LYST (lysosomal trafficking regulator; minus strand). Cytogenetic location: 1q42.3.
Variant type: single nucleotide variant.
Coding change: c.3128T>C on transcript NM_000081.4 (MANE Select); coding-DNA position 3128, T replaced by C.
Protein change: p.Ile1043Thr; replaces isoleucine 1043 with threonine.
Molecular consequence: missense variant.
Genome position (GRCh38, 1-based): chr1:235,806,008, A>G on the plus strand (T>C on the coding strand, the complement: LYST is on the minus strand). VCF-style: chr1-235806008-A-G. GRCh37 (hg19) VCF-style: chr1-235969308-A-G.
Other names: c.3128T>C, p.Ile1043Thr (NM_001301365.1); c.3128T>C (NM_000081.2); short protein forms I1043T.
Identifiers: ClinVar variation 2163048 (VCV002163048.2), dbSNP rs1672792213, ClinGen allele CA344953345.

ClinVar aggregate classification (germline): Uncertain significance. Review status: criteria provided, multiple submitters, no conflicts (2 of 4 stars). 2 submissions from 2 submitters: Uncertain significance (2). Last evaluated 2025-10-15.

Conditions:
Inborn genetic diseases. Identifiers: MedGen C0950123, MeSH D030342.
Chédiak-Higashi syndrome (CHS). Also called: Chediak-Higashi Syndrome. Identifiers: Orphanet 167, MedGen C0007965, MONDO:0008963, OMIM 214500.

Allele frequency attached by ClinVar (database versions not stated): gnomAD exomes below 0.00001; TOPMed below 0.00001.
gnomAD v4.1: 3 of 1,613,970 alleles (0.00019%); highest among the groups gnomAD compares: Non-Finnish European, 0.00017%; no homozygotes.

Submissions (2):

Ambry Genetics
Classification: Uncertain significance for Inborn genetic diseases. Last evaluated: 2025-10-15. Review status: criteria provided, single submitter. Criteria: Ambry Variant Classification Scheme 2023. Collection method: clinical testing. Allele origin: germline.

Labcorp Genetics (formerly Invitae), Labcorp
Classification: Uncertain significance for Chédiak-Higashi syndrome. Last evaluated: 2022-09-02. Review status: criteria provided, single submitter. Criteria: Invitae Variant Classification Sherloc (09022015). Collection method: clinical testing. Allele origin: germline.
Comment: This sequence change replaces isoleucine, which is neutral and non-polar, with threonine, which is neutral and polar, at codon 1043 of the LYST protein (p.Ile1043Thr). This variant is not present in population databases (gnomAD no frequency). This variant has not been reported in the literature in individuals affected with LYST-related conditions. Algorithms developed to predict the effect of missense changes on protein structure and function (SIFT, PolyPhen-2, Align-GVGD) all suggest that this variant is likely to be tolerated. In summary, the available evidence is currently insufficient to determine the role of this variant in disease. Therefore, it has been classified as a Variant of Uncertain Significance.